The following is an entry in ClinVar:

NM_001009899.4(USF3):c.5902C>T (p.Arg1968Cys)

Gene: USF3 (upstream transcription factor family member 3; minus strand). Cytogenetic location: 3q13.2.
Variant type: single nucleotide variant.
Coding change: c.5902C>T on transcript NM_001009899.4 (MANE Select); coding-DNA position 5902, C replaced by T.
Protein change: p.Arg1968Cys; replaces arginine 1968 with cysteine.
Molecular consequence: missense variant.
Genome position (GRCh38, 1-based): chr3:113,655,780, G>A on the plus strand (C>T on the coding strand, the complement: USF3 is on the minus strand). VCF-style: chr3-113655780-G-A. GRCh37 (hg19) VCF-style: chr3-113374627-G-A.
Other names: short protein forms R1968C.
Identifiers: ClinVar variation 2397634 (VCV002397634.26), dbSNP rs184254184, ClinGen allele CA2546579.

ClinVar aggregate classification (germline): Conflicting classifications of pathogenicity. Review status: criteria provided, conflicting classifications (1 of 4 stars). 2 submissions from 2 submitters: Uncertain significance (1); Likely benign (1). Last evaluated 2022-12-01.

Allele frequency attached by ClinVar (database versions not stated): gnomAD exomes 0.00021; ExAC 0.00036; ESP Exome Variant Server 0.00047; gnomAD 0.00070; TOPMed 0.00070; 1000 Genomes Project 30x 0.00078; 1000 Genomes Project 0.00080.
gnomAD v4.1: 417 of 1,614,060 alleles (0.026%); highest among the groups gnomAD compares: African/African-American, 0.19%; no homozygotes.

Submissions (2):

CeGaT Center for Human Genetics Tuebingen
Classification: Likely benign. Last evaluated: 2022-12-01. Review status: criteria provided, single submitter. Criteria: CeGaT Center For Human Genetics Tuebingen Variant Classification Criteria Version 2. Collection method: clinical testing. Allele origin: germline. Affected: yes. Observed: 1 variant allele.
Comment: USF3: BS1

Ambry Genetics
Classification: Uncertain significance. Last evaluated: 2021-10-18. Review status: criteria provided, single submitter. Criteria: Ambry Variant Classification Scheme 2023. Collection method: clinical testing. Allele origin: germline.